The following is an entry in ClinVar:

ClinVar aggregate classification (germline): Benign. Review status: criteria provided, multiple submitters, no conflicts (2 of 4 stars). 2 submissions from 2 submitters: Benign (2). Last evaluated 2018-06-14.

Allele frequency attached by ClinVar (database versions not stated): 1000 Genomes Project 0.01677; 1000 Genomes Project 30x 0.01827; TOPMed 0.03933; gnomAD 0.04419 and 0.04539; gnomAD exomes 0.06083.
gnomAD v4.1: 64,670 of 1,111,858 alleles (5.8%); highest among the groups gnomAD compares: Non-Finnish European, 7.4%; 2,175 homozygotes.

Submissions (2):

GeneDx
Classification: Benign. Last evaluated: 2018-06-14. Review status: criteria provided, single submitter. Criteria: GeneDx Variant Classification (06012015). Collection method: clinical testing. Allele origin: germline. Affected: yes.
Comment: This variant is considered likely benign or benign based on one or more of the following criteria: it is a conservative change, it occurs at a poorly conserved position in the protein, it is predicted to be benign by multiple in silico algorithms, and/or has population frequency not consistent with disease.

Breakthrough Genomics
Classification: Benign. Review status: criteria provided, single submitter. Criteria: ACMG Guidelines, 2015. Collection method: not provided. Allele origin: germline. Inheritance: Autosomal recessive inheritance. Affected: yes.

NM_014141.6(CNTNAP2):c.3796+88G>A

Gene: CNTNAP2 (contactin associated protein 2; plus strand). Cytogenetic location: 7q36.1.
Variant type: single nucleotide variant.
Coding change: c.3796+88G>A on transcript NM_014141.6 (MANE Select); 88 bases into the intron after coding-DNA position 3796, G replaced by A.
Molecular consequence: intron variant.
Genome position (GRCh38, 1-based): chr7:148,409,559, G>A. VCF-style: chr7-148409559-G-A. GRCh37 (hg19) VCF-style: chr7-148106651-G-A.
Identifiers: ClinVar variation 670918 (VCV000670918.2), dbSNP rs117098826, ClinGen allele CA16318835.